The following is an entry in ClinVar:

ClinVar aggregate classification (germline): Uncertain significance. Review status: criteria provided, multiple submitters, no conflicts (2 of 4 stars). 6 submissions from 6 submitters: Uncertain significance (6). Last evaluated 2026-08-06.

Conditions:
Baller-Gerold syndrome (BGS). Also called: CRANIOSYNOSTOSIS WITH RADIAL DEFECTS. Identifiers: Orphanet 1225, MedGen C0265308, MONDO:0009039, OMIM 218600.
Rothmund-Thomson syndrome (RTS). Also called: Poikiloderma of Rothmund-Thomson; Poikiloderma Congenitale. Identifiers: Orphanet 2909, MedGen C0032339, MONDO:0010002.
Rothmund-Thomson syndrome type 2 (RTS2). Identifiers: Orphanet 221016, MedGen C5203410, MONDO:0016369, OMIM 268400.
Rapadilino syndrome. Identifiers: Orphanet 3021, MedGen C1849453, MONDO:0009955, OMIM 266280.

Allele frequency attached by ClinVar (database versions not stated): gnomAD 0.00006 and 0.00005; gnomAD exomes 0.00007 and 0.00012; TOPMed 0.00009; ExAC 0.00011.
gnomAD v4.1: 181 of 1,612,574 alleles (0.011%); highest among the groups gnomAD compares: Non-Finnish European, 0.015%; no homozygotes.

Submissions (6):

OLLIN Analises Genomicas, OLLIN
Classification: Uncertain significance for Rothmund-Thomson syndrome type 2. Last evaluated: 2026-08-06. Review status: criteria provided, single submitter. Criteria: ACMG Guidelines 2015 PMID 25741868. Collection method: clinical testing. Allele origin: germline. Inheritance: Autosomal recessive inheritance.
Comment: This missense variant, located in exon 5 (of 21), has been reported in ClinVar (accession VCV000406972.14) and in gnomAD with an allele frequency of 0.011%. However, to our knowledge, it has not been reported in the scientific literature. In silico analysis is inconclusive regarding the impact of this variant. This gene has high tolerance to missense variation. According to the currently available evidence, this variant has been classified as uncertain significance (PM2_P, BP1).

St. Jude Molecular Pathology, St. Jude Children's Research Hospital
Classification: Uncertain significance for Rothmund-Thomson syndrome type 2. Last evaluated: 2026-02-11. Review status: criteria provided, single submitter. Criteria: St. Jude Assertion Criteria 2020. Collection method: clinical testing. Allele origin: germline.
Comment: The RECQL4 c.1043A>G p.(His348Arg) missense change has a maximum subpopulation frequency of 0.01% in gnomAD v2.1.1. In silico tools predict a benign effect on protein function, but to our knowledge this prediction has not been confirmed by functional studies. To our knowledge, this variant has not be en reported in individuals with RECQL4-associated conditions. In summary, the evidence currently available is insufficient to determine the clinical significance of this variant. It has therefore been classified as of uncertain significance.

Labcorp Genetics (formerly Invitae), Labcorp
Classification: Uncertain significance for Baller-Gerold syndrome. Last evaluated: 2025-12-22. Review status: criteria provided, single submitter. Criteria: Invitae Variant Classification Sherloc (09022015). Collection method: clinical testing. Allele origin: germline.
Comment: This sequence change replaces histidine, which is basic and polar, with arginine, which is basic and polar, at codon 348 of the RECQL4 protein (p.His348Arg). This variant is present in population databases (rs201763704, gnomAD 0.01%). This variant has not been reported in the literature in individuals affected with RECQL4-related conditions. ClinVar contains an entry for this variant (Variation ID: 406972). Invitae Evidence Modeling of protein sequence and biophysical properties (such as structural, functional, and spatial information, amino acid conservation, physicochemical variation, residue mobility, and thermodynamic stability) indicates that this missense variant is not expected to disrupt RECQL4 protein function with a negative predictive value of 80%. In summary, the available evidence is currently insufficient to determine the role of this variant in disease. Therefore, it has been classified as a Variant of Uncertain Significance.

Blueprint Genetics
Classification: Uncertain significance. Last evaluated: 2023-08-25. Review status: criteria provided, single submitter. Criteria: ACMG Guidelines, 2015. Collection method: clinical testing. Allele origin: germline.

Fulgent Genetics
Classification: Uncertain significance for Baller-Gerold syndrome; Rapadilino syndrome; Rothmund-Thomson syndrome type 2. Last evaluated: 2022-02-03. Review status: criteria provided, single submitter. Criteria: ACMG Guidelines, 2015. Collection method: clinical testing. Allele origin: unknown.

Institute for Clinical Genetics, University Hospital TU Dresden, University Hospital TU Dresden
Classification: Uncertain significance. Last evaluated: 2021-11-03. Review status: criteria provided, single submitter. Criteria: ACMG Guidelines, 2015. Collection method: clinical testing. Allele origin: germline.

NM_004260.4(RECQL4):c.1043A>G (p.His348Arg)

Gene: RECQL4 (RecQ like helicase 4; minus strand). Cytogenetic location: 8q24.3.
Variant type: single nucleotide variant.
Coding change: c.1043A>G on transcript NM_004260.4 (MANE Select); coding-DNA position 1043, A replaced by G.
Protein change: p.His348Arg; replaces histidine 348 with arginine.
Molecular consequence: missense variant.
Genome position (GRCh38, 1-based): chr8:144,516,076, T>C on the plus strand (A>G on the coding strand, the complement: RECQL4 is on the minus strand). VCF-style: chr8-144516076-T-C. GRCh37 (hg19) VCF-style: chr8-145741460-T-C.
Other names: short protein forms H348R.
Identifiers: ClinVar variation 406972 (VCV000406972.17), dbSNP rs201763704, ClinGen allele CA4949100.
Genomic context (GRCh38, chr8:144,516,076, plus strand): 5'-GCCCGGCCCCGCACGTAGTGTTTCTGCTTCATGTTGAGCCGTACGTAATTGCCCCTGTCA[T>C]GGCGGGCCAGCCGAGGGAAGATGTGCAGGGGGGCTGTGCCCTCAGCCTTCCCAGCCCTAG-3'
Protein context (NP_004251.4, residues 338-358): PLHIFPRLAR[His348Arg]DRGNYVRLNM